The following is an entry in ClinVar:

NM_003072.5(SMARCA4):c.4828A>G (p.Lys1610Glu)

Gene: SMARCA4 (SWI/SNF related BAF chromatin remodeling complex subunit ATPase 4; plus strand). Cytogenetic location: 19p13.2.
Variant type: single nucleotide variant.
Coding change: c.4828A>G on transcript NM_003072.5 (MANE Select); coding-DNA position 4828, A replaced by G.
Protein change: p.Lys1610Glu; replaces lysine 1610 with glutamic acid.
Molecular consequence: missense variant. On other transcripts: non-coding transcript variant (1).
Genome position (GRCh38, 1-based): chr19:11,060,104, A>G. VCF-style: chr19-11060104-A-G. GRCh37 (hg19) VCF-style: chr19-11170780-A-G.
Other names: c.4828A>G, p.Lys1610Glu (NM_001128844.3); c.4738A>G, p.Lys1580Glu (NM_001128845.2); c.4735A>G, p.Lys1579Glu (NM_001128846.2); c.4729A>G, p.Lys1577Glu (NM_001128847.4, NM_001374457.1); c.4726A>G, p.Lys1576Glu (NM_001128848.2); c.4924A>G, p.Lys1642Glu (NM_001128849.3, NM_001387283.1); c.4825A>G, p.Lys1609Glu (NM_001411150.1); short protein forms K1579E, K1609E, K1610E, K1577E, K1580E, K1642E, K1576E.
Identifiers: ClinVar variation 2710229 (VCV002710229.3), dbSNP rs2147124990, ClinGen allele CA404080579.
Genomic context (GRCh38, chr19:11,060,104, plus strand): 5'-GCTCGGTCCGTCAAAGTGAAGATCAAGCTTGGCCGGAAGGAGAAGGCACAGGACCGGCTG[A>G]AGGGCGGCCGGCGGCGGCCGAGCCGAGGGTCCCGAGCCAAGCCGGTCGTGAGTGACGATG-3'
Protein context (NP_003063.2, residues 1600-1620): GRKEKAQDRL[Lys1610Glu]GGRRRPSRGS

ClinVar aggregate classification (germline): Uncertain significance (1 of 4 stars; one submission).

Conditions:
Rhabdoid tumor predisposition syndrome 2 (RTPS2). Identifiers: Orphanet 231108, Orphanet 69077, MedGen C2750074, MONDO:0013224, OMIM 613325.

Submission:

Labcorp Genetics (formerly Invitae), Labcorp
Classification: Uncertain significance for Rhabdoid tumor predisposition syndrome 2. Last evaluated: 2024-01-19. Review status: criteria provided, single submitter. Criteria: Invitae Variant Classification Sherloc (09022015). Collection method: clinical testing. Allele origin: germline.
Comment: This sequence change replaces lysine, which is basic and polar, with glutamic acid, which is acidic and polar, at codon 1642 of the SMARCA4 protein (p.Lys1642Glu). This variant is not present in population databases (gnomAD no frequency). This variant has not been reported in the literature in individuals affected with SMARCA4-related conditions. Advanced modeling of protein sequence and biophysical properties (such as structural, functional, and spatial information, amino acid conservation, physicochemical variation, residue mobility, and thermodynamic stability) has been performed at Invitae for this missense variant, however the output from this modeling did not meet the statistical confidence thresholds required to predict the impact of this variant on SMARCA4 protein function. In summary, the available evidence is currently insufficient to determine the role of this variant in disease. Therefore, it has been classified as a Variant of Uncertain Significance.